The following is an entry in ClinVar:

ClinVar aggregate classification (germline): Uncertain significance (1 of 4 stars; one submission).

Allele frequency attached by ClinVar (database versions not stated): gnomAD exomes below 0.00001; gnomAD 0.00002; TOPMed 0.00002.

Submission:

Labcorp Genetics (formerly Invitae), Labcorp
Classification: Uncertain significance. Last evaluated: 2022-05-12. Review status: criteria provided, single submitter. Criteria: Invitae Variant Classification Sherloc (09022015). Collection method: clinical testing. Allele origin: germline.
Comment: This variant is present in population databases (no rsID available, gnomAD 0.007%). This variant has not been reported in the literature in individuals affected with PTPN23-related conditions. Algorithms developed to predict the effect of sequence changes on RNA splicing suggest that this variant may create or strengthen a splice site. In summary, the available evidence is currently insufficient to determine the role of this variant in disease. Therefore, it has been classified as a Variant of Uncertain Significance. This sequence change falls in intron 20 of the PTPN23 gene. It does not directly change the encoded amino acid sequence of the PTPN23 protein.

NM_015466.4(PTPN23):c.3888+17G>A

Gene: PTPN23 (protein tyrosine phosphatase non-receptor type 23; plus strand). Cytogenetic location: 3p21.31.
Variant type: single nucleotide variant.
Coding change: c.3888+17G>A on transcript NM_015466.4 (MANE Select); 17 bases into the intron after coding-DNA position 3888, G replaced by A.
Molecular consequence: intron variant.
Genome position (GRCh38, 1-based): chr3:47,411,703, G>A. VCF-style: chr3-47411703-G-A. GRCh37 (hg19) VCF-style: chr3-47453193-G-A.
Other names: c.3510+17G>A (NM_001304482.2).
Identifiers: ClinVar variation 1946056 (VCV001946056.5), dbSNP rs1229167494, ClinGen allele CA543043192.